The following is an entry in ClinVar:

ClinVar aggregate classification (germline): Likely pathogenic. Review status: criteria provided, multiple submitters, no conflicts (2 of 4 stars). 2 submissions from 2 submitters: Likely pathogenic (2). Last evaluated 2019-09-05.

Conditions:
Microcephaly 1, primary, autosomal recessive (MCPH1). Also called: PREMATURE CHROMOSOME CONDENSATION SYNDROME; PCC SYNDROME; PREMATURE CHROMOSOME CONDENSATION WITH MICROCEPHALY AND MENTAL RETARDATION. Identifiers: Orphanet 2512, MedGen C1855081, MONDO:0009617, OMIM 251200.
Autosomal recessive primary microcephaly. Identifiers: Orphanet 2512, MedGen C3711387, MONDO:0016660.

Submissions (2):

Genetic Services Laboratory, University of Chicago
Classification: Likely pathogenic for Primary autosomal recessive microcephaly 1. Last evaluated: 2019-09-05. Review status: criteria provided, single submitter. Criteria: ACMG Guidelines, 2015. Collection method: clinical testing. Allele origin: germline. Affected: yes.

Women's Health and Genetics/Laboratory Corporation of America, LabCorp
Classification: Likely pathogenic for Primary autosomal recessive microcephaly. Last evaluated: 2019-09-04. Review status: criteria provided, single submitter. Criteria: LabCorp Variant Classification Summary - May 2015. Collection method: clinical testing. Allele origin: germline.
Comment: Variant summary: MCPH1 c.1924_1925insCA (p.Arg642ThrfsX10) results in a premature termination codon, predicted to cause a truncation of the encoded protein or absence of the protein due to nonsense mediated decay, which are commonly known mechanisms for disease. The variant was absent in 249,466 control chromosomes (gnomAD). To our knowledge, no occurrence of c.1924_1925insCA in individuals affected with Primary autosomal recessive microcephaly and no experimental evidence demonstrating an impact on protein function have been reported. One clinical diagnostic laboratory has submitted clinical-significance assessments for this variant to ClinVar after 2014 without evidence for independent evaluation, and classified the variant as pathogenic. Based on the evidence outlined above, the variant was classified as likely pathogenic.

NM_024596.5(MCPH1):c.1924_1925insCA (p.Arg642fs)

Gene: MCPH1 (microcephalin 1; plus strand). Cytogenetic location: 8p23.1.
Variant type: Insertion.
Coding change: c.1924_1925insCA on transcript NM_024596.5 (MANE Select); coding-DNA positions 1924 to 1925, CA inserted.
Protein change: p.Arg642fs; shifts the reading frame from arginine 642.
Molecular consequence: frameshift variant.
Genome position: GRCh38 VCF-style: chr8-6455240-G-GAC. GRCh37 (hg19) VCF-style: chr8-6312761-G-GAC.
Other names: c.1924_1925insCA, p.Arg642fs (NM_001322042.2, NM_001363979.1, NM_001363980.2); short protein forms R642fs.
Identifiers: ClinVar variation 435835 (VCV000435835.8), dbSNP rs1554496609, ClinGen allele CA645372455.